The following is an entry in ClinVar:

ClinVar aggregate classification (germline): Pathogenic (1 of 4 stars; one submission).

Conditions:
Peroxisome biogenesis disorder. Identifiers: Orphanet 79189, MedGen C1832200, MONDO:0019234. Disease mechanism: loss of function.

Submission:

Labcorp Genetics (formerly Invitae), Labcorp
Classification: Pathogenic for Peroxisome biogenesis disorder. Last evaluated: 2021-11-05. Review status: criteria provided, single submitter. Criteria: Invitae Variant Classification Sherloc (09022015). Collection method: clinical testing. Allele origin: germline.
Comment: This variant is not present in population databases (gnomAD no frequency). This sequence change creates a premature translational stop signal (p.Asp172Glyfs*70) in the PEX6 gene. It is expected to result in an absent or disrupted protein product. Loss-of-function variants in PEX6 are known to be pathogenic (PMID: 8670792, 19877282, 21031596). For these reasons, this variant has been classified as Pathogenic. This variant has not been reported in the literature in individuals affected with PEX6-related conditions.

Literature cited by the submitters: PubMed 8670792; PubMed 19877282; PubMed 21031596.

NM_000287.4(PEX6):c.514dup (p.Asp172fs)

Gene: PEX6 (peroxisomal biogenesis factor 6; minus strand). Cytogenetic location: 6p21.1.
Variant type: Duplication.
Coding change: c.514dup on transcript NM_000287.4 (MANE Select); coding-DNA position 514, one base duplicated (G; older notation c.514dupG).
Protein change: p.Asp172fs; shifts the reading frame from aspartic acid 172.
Molecular consequence: frameshift variant. On other transcripts: non-coding transcript variant (1).
Genome position (GRCh38, 1-based): chr6:42,978,637, C duplicated on the plus strand (G on the coding strand, the reverse complement: PEX6 is on the minus strand); the first of 4 consecutive C bases (chr6:42,978,637-42,978,640); duplicating any one gives the same sequence. VCF-style (leftmost placement, unchanged base first): chr6-42978636-T-TC. GRCh37 (hg19) VCF-style: chr6-42946374-T-TC.
Other names: c.514dup, p.Asp172fs (NM_001316313.2); short protein forms D172fs.
Identifiers: ClinVar variation 1452760 (VCV001452760.6), dbSNP rs2150239907, ClinGen allele CA913110535.